The following is an entry in ClinVar:

ClinVar aggregate classification (germline): Uncertain significance (1 of 4 stars; one submission).

gnomAD v4.1: 19 of 1,601,906 alleles (0.0012%); highest among the groups gnomAD compares: East Asian, 0.0022%; no homozygotes.

Submission:

Labcorp Genetics (formerly Invitae), Labcorp
Classification: Uncertain significance. Last evaluated: 2025-04-18. Review status: criteria provided, single submitter. Criteria: Invitae Variant Classification Sherloc (09022015). Collection method: clinical testing. Allele origin: germline.
Comment: This sequence change falls in intron 15 of the KAT6A gene. It does not directly change the encoded amino acid sequence of the KAT6A protein. It affects a nucleotide within the consensus splice site. This variant is present in population databases (no rsID available, gnomAD 0.006%). This variant has not been reported in the literature in individuals affected with KAT6A-related conditions. ClinVar contains an entry for this variant (Variation ID: 3000674). Variants that disrupt the consensus splice site are a relatively common cause of aberrant splicing (PMID: 17576681, 9536098). Algorithms developed to predict the effect of sequence changes on RNA splicing suggest that this variant is not likely to affect RNA splicing. In summary, the available evidence is currently insufficient to determine the role of this variant in disease. Therefore, it has been classified as a Variant of Uncertain Significance.

Literature cited by the submitters: PubMed 17576681; PubMed 9536098.

NM_006766.5(KAT6A):c.3039+5C>T

Gene: KAT6A (lysine acetyltransferase 6A; minus strand). Cytogenetic location: 8p11.21.
Variant type: single nucleotide variant.
Coding change: c.3039+5C>T on transcript NM_006766.5 (MANE Select); 5 bases into the intron after coding-DNA position 3039, C replaced by T.
Molecular consequence: intron variant.
Genome position (GRCh38, 1-based): chr8:41,940,837, G>A on the plus strand (C>T on the coding strand, the complement: KAT6A is on the minus strand). VCF-style: chr8-41940837-G-A. GRCh37 (hg19) VCF-style: chr8-41798355-G-A.
Identifiers: ClinVar variation 3000674 (VCV003000674.3), dbSNP rs200182664, ClinGen allele CA581575881.
Genomic context (GRCh38, chr8:41,940,837, plus strand): 5'-AAAACGAGAAGGTGTAAGATAAACTGGAATTGGAGGAAGAGAAGACCTGGAAAGAAATGC[G>A]TTACCTTTCGCTTCAGCGTGGGCTTTGTGAGAATTGGTGGCGAGCTTGACCGAGGGCTTT-3'